The following is an entry in ClinVar:

ClinVar aggregate classification (germline): Uncertain significance. Review status: criteria provided, multiple submitters, no conflicts (2 of 4 stars). 2 submissions from 2 submitters: Uncertain significance (2). Last evaluated 2025-05-16.

Conditions:
Joubert syndrome. Also called: JOUBERT-BOLTSHAUSER SYNDROME; Familial aplasia of the vermis. Identifiers: Orphanet 475, MedGen C5979921, MONDO:0018772.
Meckel-Gruber syndrome. Also called: DYSENCEPHALIA SPLANCHNOCYSTICA; GRUBER SYNDROME; Dysencephalia splachnocystica. Identifiers: Orphanet 564, MedGen C0265215, MONDO:0018921.

Allele frequency attached by ClinVar (database versions not stated): gnomAD 0.00001; gnomAD exomes 0.00002 and 0.00001; ExAC 0.00003; TOPMed 0.00001; 1000 Genomes Project 30x 0.00016; 1000 Genomes Project 0.00020.
gnomAD v4.1: 19 of 1,613,140 alleles (0.0012%); highest among the groups gnomAD compares: South Asian, 0.0022%; no homozygotes.

Submissions (2):

GeneDx
Classification: Uncertain significance. Last evaluated: 2025-05-16. Review status: criteria provided, single submitter. Criteria: GeneDx Variant Classification Process June 2021. Collection method: clinical testing. Allele origin: germline. Affected: yes.
Comment: Reported in a cohort of patients with Joubert syndrome in published literature; patient-level information not provided (PMID: 36319078); Not observed at significant frequency in large population cohorts (gnomAD); In silico analysis supports that this missense variant has a deleterious effect on protein structure/function; This variant is associated with the following publications: (PMID: 36319078)

Labcorp Genetics (formerly Invitae), Labcorp
Classification: Uncertain significance for Joubert syndrome; Meckel-Gruber syndrome. Last evaluated: 2022-10-25. Review status: criteria provided, single submitter. Criteria: Invitae Variant Classification Sherloc (09022015). Collection method: clinical testing. Allele origin: germline.
Comment: This sequence change replaces isoleucine, which is neutral and non-polar, with threonine, which is neutral and polar, at codon 1575 of the CC2D2A protein (p.Ile1575Thr). This variant is present in population databases (rs551243983, gnomAD 0.007%). This variant has not been reported in the literature in individuals affected with CC2D2A-related conditions. ClinVar contains an entry for this variant (Variation ID: 1508741). Algorithms developed to predict the effect of missense changes on protein structure and function (SIFT, PolyPhen-2, Align-GVGD) all suggest that this variant is likely to be tolerated. In summary, the available evidence is currently insufficient to determine the role of this variant in disease. Therefore, it has been classified as a Variant of Uncertain Significance.

NM_001378615.1(CC2D2A):c.4724T>C (p.Ile1575Thr)

Genes: CC2D2A (coiled-coil and C2 domain containing 2A; plus strand), FBXL5 (F-box and leucine rich repeat protein 5; minus strand). Cytogenetic location: 4p15.32.
Variant type: single nucleotide variant.
Coding change: c.4724T>C on transcript NM_001378615.1 (MANE Select); coding-DNA position 4724, T replaced by C.
Protein change: p.Ile1575Thr; replaces isoleucine 1575 with threonine.
Molecular consequence: missense variant.
Genome position (GRCh38, 1-based): chr4:15,601,286, T>C. VCF-style: chr4-15601286-T-C. GRCh37 (hg19) VCF-style: chr4-15602909-T-C.
Other names: c.4724T>C, p.Ile1575Thr (NM_001080522.2); c.4577T>C, p.Ile1526Thr (NM_001378617.1); short protein forms I1526T, I1575T.
Identifiers: ClinVar variation 1508741 (VCV001508741.6), dbSNP rs551243983, ClinGen allele CA2864466.